The following is an entry in ClinVar:

ClinVar aggregate classification (germline): Conflicting classifications of pathogenicity. Review status: criteria provided, conflicting classifications (1 of 4 stars). 3 submissions from 3 submitters: Uncertain significance (1); Benign (1); Likely benign (1). Last evaluated 2024-06-18.

Conditions:
Ovarian cancer. Also called: OVARIAN CANCER, SOMATIC. Identifiers: Orphanet 213500, MedGen C1140680, MONDO:0008170, OMIM 167000.
Hereditary cancer-predisposing syndrome. Also called: Tumor predisposition; Hereditary neoplastic syndrome; Hereditary Cancer Syndrome; Neoplastic Syndromes, Hereditary. Identifiers: Orphanet 140162, MedGen C0027672, MeSH D009386, MONDO:0015356.
Oligodontia-cancer predisposition syndrome. Also called: TOOTH AGENESIS-COLORECTAL CANCER SYNDROME. Identifiers: Orphanet 300576, MedGen C1837750, MONDO:0012075, OMIM 608615. Disease mechanism: loss of function.

Allele frequency attached by ClinVar (database versions not stated): gnomAD exomes below 0.00001 and 0.00001.

Submissions (3):

Ambry Genetics
Classification: Likely benign for Hereditary cancer-predisposing syndrome. Last evaluated: 2024-06-18. Review status: criteria provided, single submitter. Criteria: Ambry Variant Classification Scheme 2023. Collection method: clinical testing. Allele origin: germline.

Labcorp Genetics (formerly Invitae), Labcorp
Classification: Uncertain significance for Oligodontia-cancer predisposition syndrome. Last evaluated: 2022-09-13. Review status: criteria provided, single submitter. Criteria: Invitae Variant Classification Sherloc (09022015). Collection method: clinical testing. Allele origin: germline.
Comment: ClinVar contains an entry for this variant (Variation ID: 1051405). This sequence change replaces threonine, which is neutral and polar, with isoleucine, which is neutral and non-polar, at codon 507 of the AXIN2 protein (p.Thr507Ile). This variant is present in population databases (no rsID available, gnomAD 0.01%). This variant has not been reported in the literature in individuals affected with AXIN2-related conditions. Advanced modeling of protein sequence and biophysical properties (such as structural, functional, and spatial information, amino acid conservation, physicochemical variation, residue mobility, and thermodynamic stability) performed at Invitae indicates that this missense variant is not expected to disrupt AXIN2 protein function. In summary, the available evidence is currently insufficient to determine the role of this variant in disease. Therefore, it has been classified as a Variant of Uncertain Significance.

Laboratory of Molecular Epidemiology of Birth Defects, West China Second University Hospital, Sichuan University
Classification: Benign for Ovarian cancer. Last evaluated: 2022-01-01. Review status: criteria provided, single submitter. Criteria: ACMG Guidelines, 2015. Collection method: clinical testing. Allele origin: germline. Affected: yes.

NM_004655.4(AXIN2):c.1520C>T (p.Thr507Ile)

Gene: AXIN2 (axin 2; minus strand). Cytogenetic location: 17q24.1.
Variant type: single nucleotide variant.
Coding change: c.1520C>T on transcript NM_004655.4 (MANE Select); coding-DNA position 1520, C replaced by T.
Protein change: p.Thr507Ile; replaces threonine 507 with isoleucine.
Molecular consequence: missense variant.
Genome position (GRCh38, 1-based): chr17:65,537,516, G>A on the plus strand (C>T on the coding strand, the complement: AXIN2 is on the minus strand). VCF-style: chr17-65537516-G-A. GRCh37 (hg19) VCF-style: chr17-63533634-G-A.
Other names: c.1520C>T, p.Thr507Ile (NM_001363813.1); c.1520C>T (NM_004655.3); short protein forms T507I.
Identifiers: ClinVar variation 1051405 (VCV001051405.13), dbSNP rs1207102247, ClinGen allele CA400677345.